The following is an entry in ClinVar:

NM_003072.5(SMARCA4):c.2476G>A (p.Ala826Thr)

Gene: SMARCA4 (SWI/SNF related, matrix associated, actin dependent regulator of chromatin, subfamily a, member 4; plus strand). Cytogenetic location: 19p13.2.
Variant type: single nucleotide variant.
Coding change: c.2476G>A on transcript NM_003072.5 (MANE Select); coding-DNA position 2476, G replaced by A.
Protein change: p.Ala826Thr; replaces alanine 826 with threonine.
Molecular consequence: missense variant. On other transcripts: non-coding transcript variant (1).
Genome position (GRCh38, 1-based): chr19:11,018,994, G>A. VCF-style: chr19-11018994-G-A. GRCh37 (hg19) VCF-style: chr19-11129670-G-A.
Other names: c.2476G>A, p.Ala826Thr (NM_001128844.3, NM_001128845.2, NM_001128846.2 and 5 more transcripts); short protein forms A826T.
Identifiers: ClinVar variation 391984 (VCV000391984.2), dbSNP rs1057524313, ClinGen allele CA16608809.

ClinVar aggregate classification (germline): Uncertain significance (1 of 4 stars; one submission).

Submission:

GeneDx
Classification: Uncertain significance. Last evaluated: 2017-11-30. Review status: criteria provided, single submitter. Criteria: GeneDx Variant Classification (06012015). Collection method: clinical testing. Allele origin: germline. Affected: yes.
Comment: The A826T variant in the SMARCA4 gene has not been reported previously as a pathogenic variant, nor as a benign variant, to our knowledge. The A826T variant was not observed in approximately 6500 individuals of European and African American ancestry in the NHLBI Exome Sequencing Project, indicating it is not a common benign variant in these populations. The A826T variant is a non-conservative amino acid substitution, which is likely to impact secondary protein structure as these residues differ in polarity, charge, size and/or other properties. This substitution occurs at a position that is conserved across species. In silico analysis predicts this variant is probably damaging to the protein structure/function. We interpret A826T as a variant of uncertain significance